The following is an entry in ClinVar:

ClinVar aggregate classification (germline): Likely pathogenic. Review status: criteria provided, multiple submitters, no conflicts (2 of 4 stars). 2 submissions from 2 submitters: Likely pathogenic (2). Last evaluated 2026-01-20.

Conditions:
Cardiovascular phenotype. Identifiers: MedGen CN230736.
Primary dilated cardiomyopathy (DCM). Also called: Dilated Cardiomyopathy. Identifiers: Orphanet 217604, MedGen C0007193, MeSH D002311, MONDO:0005021, HP:0001644. Inheritance: Various modes of inheritance.

Submissions (2):

Ambry Genetics
Classification: Likely pathogenic for Cardiovascular phenotype. Last evaluated: 2026-01-20. Review status: criteria provided, single submitter. Criteria: Ambry Variant Classification Scheme 2023. Collection method: clinical testing. Allele origin: germline.
Comment: The c.56648delG variant, located in coding exon 153 of the TTN gene, results from a deletion of one nucleotide at nucleotide position 56648, causing a translational frameshift with a predicted alternate stop codon (p.R18883Nfs*7). This exon is located in the A-band region of the N2-B isoform of the titin protein and is constitutively expressed in TTN transcripts (percent spliced in or PSI 100%). This variant is considered to be rare based on population cohorts in the Genome Aggregation Database (gnomAD). This variant is expected to result in loss of function by premature protein truncation or nonsense-mediated mRNA decay. While truncating variants in TTN are present in 1-3% of the general population, truncating variants in the A-band are the most common cause of dilated cardiomyopathy (Herman DS et al. N. Engl. J. Med., 2012 Feb;366:619-28; Roberts AM et al. Sci Transl Med, 2015 Jan;7:270ra6). TTN truncating variants encoded in constitutive exons (PSI >90%) have been found to be significantly associated with DCM regardless of their position in titin (Schafer S et al. Nat. Genet., 2017 01;49:46-53; Akhtar MM et al. Circ Heart Fail, 2020 Oct;13:e006832; Massier M et al. Clin Genet, 2025 Jan). Based on the majority of available evidence to date, this variant is likely to be pathogenic.

Laboratory for Molecular Medicine, Mass General Brigham Personalized Medicine
Classification: Likely pathogenic for Primary dilated cardiomyopathy. Last evaluated: 2019-11-13. Review status: criteria provided, single submitter. Criteria: LMM Criteria. Collection method: clinical testing. Allele origin: germline. Inheritance: Autosomal dominant inheritance. Observed: 1 variant allele.
Comment: The p.Arg25380AsnfsX7 variant in TTN has not been previously reported in individuals with dilated cardiomyopathy and was absent from large population studies. This variant is predicted to cause a frameshift, which alters the proteinâ€™s amino acid sequence beginning at position 25380 and leads to a premature termination codon 7 amino acids downstream. This alteration is then predicted to lead to a truncated or absent protein. Frameshift and other truncating variants in TTN are strongly associated with DCM if they impact the exons encoding for the A-band (Herman 2012, Pugh 2014) and/or are located in an exon that is highly expressed in the heart (Roberts 2015). The p.Arg25380AsnfsX7 variant is located in A-band in a highly expressed exon. In summary, although additional studies are required to fully establish its clinical significance, this variant meets criteria to be classified as likely pathogenic for dilated cardiomyopathy. ACMG/AMP Criteria applied: PVS1, PM2.

NM_001267550.2(TTN):c.83843del (p.Arg27948fs)

Genes: TTN (titin; minus strand), TTN-AS1 (TTN antisense RNA 1; plus strand). Cytogenetic location: 2q31.2.
Variant type: Deletion.
Coding change: c.83843del on transcript NM_001267550.2 (MANE Select); coding-DNA position 83843, one base deleted (G; older notation c.83843delG).
Protein change: p.Arg27948fs; shifts the reading frame from arginine 27948.
Molecular consequence: frameshift variant.
Genome position (GRCh38, 1-based): chr2:178,562,289, C deleted on the plus strand (G on the coding strand, the reverse complement: TTN is on the minus strand). VCF-style (leftmost placement, unchanged base first): chr2-178562288-TC-T. GRCh37 (hg19) VCF-style: chr2-179427015-TC-T.
Other names: c.56648delG (NM_003319.4); c.78920del, p.Arg26307fs (NM_001256850.1); c.56648del, p.Arg18883fs (NM_003319.4); c.76139del, p.Arg25380fs (NM_133378.4); c.57023del, p.Arg19008fs (NM_133432.3); c.57224del, p.Arg19075fs (NM_133437.4); short protein forms R19075fs, R25380fs, R26307fs, R27948fs, R18883fs, R19008fs.
Identifiers: ClinVar variation 930035 (VCV000930035.5), dbSNP rs1703956616, ClinGen allele CA1139657434.
Genomic context (GRCh38, chr2:178,562,288, plus strand): 5'-AGGAAGCTCAACTGAAGGCTTTATTTCAATATCCCTTGCAATTACTGGCACTCCAAGTTG[TC>T]TTGGATCACTTCTTCCCTTTTCGTTAACTGCAGCTACCCTGAAGACATACTCTTCTCCTG-3'